The following is an entry in ClinVar:

ClinVar aggregate classification (germline): Uncertain significance (1 of 4 stars; one submission).

Conditions:
Dilated cardiomyopathy 1AA (CMD1AA). Also called: Cardiomyopathy, dilated, 1AA, with or without LVNC; CARDIOMYOPATHY, DILATED, 1AA, WITH OR WITHOUT LEFT VENTRICULAR NONCOMPACTION; CARDIOMYOPATHY, FAMILIAL HYPERTROPHIC, 23, WITH OR WITHOUT LEFT VENTRICULAR NONCOMPACTION. Identifiers: Orphanet 154, MedGen C2677338, MONDO:0012808, OMIM 612158.
Primary familial hypertrophic cardiomyopathy (HCM). Identifiers: Orphanet 99739, MedGen C0949658, MeSH D024741, MONDO:0024573. Inheritance: Various modes of inheritance.

Allele frequency attached by ClinVar (database versions not stated): gnomAD exomes below 0.00001.
gnomAD v4.1: 2 of 1,614,082 alleles (0.00012%); highest among the groups gnomAD compares: Non-Finnish European, 0.00017%; no homozygotes.

Submission:

Labcorp Genetics (formerly Invitae), Labcorp
Classification: Uncertain significance for Primary familial hypertrophic cardiomyopathy; Dilated cardiomyopathy 1AA. Last evaluated: 2022-03-14. Review status: criteria provided, single submitter. Criteria: Invitae Variant Classification Sherloc (09022015). Collection method: clinical testing. Allele origin: germline.
Comment: This variant is not present in population databases (gnomAD no frequency). This sequence change replaces lysine, which is basic and polar, with asparagine, which is neutral and polar, at codon 334 of the ACTN2 protein (p.Lys334Asn). This missense change has been observed in individual(s) with left ventricular non-compaction (PMID: 26688388). Advanced modeling of protein sequence and biophysical properties (such as structural, functional, and spatial information, amino acid conservation, physicochemical variation, residue mobility, and thermodynamic stability) performed at Invitae indicates that this missense variant is not expected to disrupt ACTN2 protein function. In summary, the available evidence is currently insufficient to determine the role of this variant in disease. Therefore, it has been classified as a Variant of Uncertain Significance.

Literature cited by the submitters: PubMed 26688388.

NM_001103.4(ACTN2):c.1002G>C (p.Lys334Asn)

Gene: ACTN2 (actinin alpha 2; plus strand). Cytogenetic location: 1q43.
Variant type: single nucleotide variant.
Coding change: c.1002G>C on transcript NM_001103.4 (MANE Select); coding-DNA position 1002, G replaced by C.
Protein change: p.Lys334Asn; replaces lysine 334 with asparagine.
Molecular consequence: missense variant.
Genome position (GRCh38, 1-based): chr1:236,739,427, G>C. VCF-style: chr1-236739427-G-C. GRCh37 (hg19) VCF-style: chr1-236902727-G-C.
Other names: c.1002G>C, p.Lys334Asn (NM_001278343.2); c.378G>C, p.Lys126Asn (NM_001278344.2); c.252G>C, p.Lys84Asn (NM_001412150.1); short protein forms K84N, K126N, K334N.
Identifiers: ClinVar variation 2077124 (VCV002077124.4), dbSNP rs1659000316, ClinGen allele CA345380531.